The following is an entry in ClinVar:

ClinVar aggregate classification (germline): Uncertain significance (1 of 4 stars; one submission).

Conditions:
Cranium bifidum occultum. Also called: Enlarged Parietal Foramina; CATLIN MARKS; CRANIUM BIFIDUM, HEREDITARY. Identifiers: MedGen C1868598, HP:0004423.

Allele frequency attached by ClinVar (database versions not stated): gnomAD exomes below 0.00001; gnomAD 0.00001.

Submission:

Labcorp Genetics (formerly Invitae), Labcorp
Classification: Uncertain significance for Cranium bifidum occultum. Last evaluated: 2024-10-26. Review status: criteria provided, single submitter. Criteria: Invitae Variant Classification Sherloc (09022015). Collection method: clinical testing. Allele origin: germline.
Comment: This sequence change replaces alanine, which is neutral and non-polar, with glycine, which is neutral and non-polar, at codon 72 of the MSX2 protein (p.Ala72Gly). This variant is present in population databases (no rsID available, gnomAD 0.009%). This variant has not been reported in the literature in individuals affected with MSX2-related conditions. Invitae Evidence Modeling of protein sequence and biophysical properties (such as structural, functional, and spatial information, amino acid conservation, physicochemical variation, residue mobility, and thermodynamic stability) indicates that this missense variant is not expected to disrupt MSX2 protein function with a negative predictive value of 80%. In summary, the available evidence is currently insufficient to determine the role of this variant in disease. Therefore, it has been classified as a Variant of Uncertain Significance.

NM_002449.5(MSX2):c.215C>G (p.Ala72Gly)

Gene: MSX2 (msh homeobox 2; plus strand). Cytogenetic location: 5q35.2.
Variant type: single nucleotide variant.
Coding change: c.215C>G on transcript NM_002449.5 (MANE Select); coding-DNA position 215, C replaced by G.
Protein change: p.Ala72Gly; replaces alanine 72 with glycine.
Molecular consequence: missense variant.
Genome position (GRCh38, 1-based): chr5:174,724,874, C>G. VCF-style: chr5-174724874-C-G. GRCh37 (hg19) VCF-style: chr5-174151877-C-G.
Other names: c.215C>G, p.Ala72Gly (NM_001363626.2); short protein forms A72G.
Identifiers: ClinVar variation 3019008 (VCV003019008.2), dbSNP rs1338021252, ClinGen allele CA362229356.